The following is an entry in ClinVar:

NM_033026.6(PCLO):c.1471_1500dup (p.Pro500_Ser501insProGlnGlnProGlySerAlaLysProPro)

Gene: PCLO (piccolo presynaptic cytomatrix protein; minus strand). Cytogenetic location: 7q21.11.
Variant type: Duplication.
Coding change: c.1471_1500dup on transcript NM_033026.6 (MANE Select); coding-DNA positions 1471 to 1500, 30 bases duplicated (CCTCAACAGCCTGGCTCAGCAAAGCCCCCA).
Protein change: p.Pro500_Ser501insProGlnGlnProGlySerAlaLysProPro.
Molecular consequence: inframe insertion.
Genome position (GRCh38, 1-based): chr7:83,155,141-83,155,170, TGGGGGCTTTGCTGAGCCAGGCTGTTGAGG duplicated on the plus strand (CCTCAACAGCCTGGCTCAGCAAAGCCCCCA on the coding strand, the reverse complement: PCLO is on the minus strand); duplicating any 30 consecutive bases within chr7:83,155,141-83,155,184 gives the same sequence; the c. name uses the placement nearest the transcript's 3' end. VCF-style (leftmost placement, unchanged base first): chr7-83155140-A-ATGGGGGCTTTGCTGAGCCAGGCTGTTGAGG. GRCh37 (hg19) VCF-style: chr7-82784456-A-ATGGGGGCTTTGCTGAGCCAGGCTGTTGAGG.
Other names: c.1471_1500dup, p.Pro500_Ser501insProGlnGlnProGlySerAlaLysProPro (NM_014510.3).
Identifiers: ClinVar variation 4692634 (VCV004692634.1).

ClinVar aggregate classification (germline): Uncertain significance (1 of 4 stars; one submission).

Submission:

Labcorp Genetics (formerly Invitae), Labcorp
Classification: Uncertain significance. Last evaluated: 2025-04-02. Review status: criteria provided, single submitter. Criteria: Invitae Variant Classification Sherloc (09022015). Collection method: clinical testing. Allele origin: germline.
Comment: This variant, c.1471_1500dup, results in the insertion of 10 amino acid(s) of the PCLO protein (p.Pro491_Pro500dup), but otherwise preserves the integrity of the reading frame. This variant is present in population databases (no rsID available, gnomAD 0.0009%). This variant has not been reported in the literature in individuals affected with PCLO-related conditions. In summary, the available evidence is currently insufficient to determine the role of this variant in disease. Therefore, it has been classified as a Variant of Uncertain Significance.